The following is an entry in ClinVar:

ClinVar aggregate classification (germline): Pathogenic (1 of 4 stars; one submission).

Allele frequency attached by ClinVar (database versions not stated): gnomAD exomes below 0.00001 and 0.00001; ExAC 0.00002; gnomAD 0.00003 and 0.00004; TOPMed 0.00003.

Submission:

Labcorp Genetics (formerly Invitae), Labcorp
Classification: Pathogenic. Last evaluated: 2024-06-28. Review status: criteria provided, single submitter. Criteria: Invitae Variant Classification Sherloc (09022015). Collection method: clinical testing. Allele origin: germline.
Comment: This sequence change creates a premature translational stop signal (p.Pro1032Glnfs*28) in the ERCC6 gene. It is expected to result in an absent or disrupted protein product. Loss-of-function variants in ERCC6 are known to be pathogenic (PMID: 18628313, 29572252). This variant is present in population databases (rs755974092, gnomAD 0.02%). This variant has not been reported in the literature in individuals affected with ERCC6-related conditions. ClinVar contains an entry for this variant (Variation ID: 850898). For these reasons, this variant has been classified as Pathogenic.

Literature cited by the submitters: PubMed 18628313; PubMed 29572252.

NM_000124.4(ERCC6):c.3095_3107del (p.Pro1032fs)

Gene: ERCC6 (ERCC excision repair 6, chromatin remodeling factor; minus strand). Cytogenetic location: 10q11.23.
Variant type: Deletion.
Coding change: c.3095_3107del on transcript NM_000124.4 (MANE Select); coding-DNA positions 3095 to 3107, 13 bases deleted (CCAAATGCCATCT).
Protein change: p.Pro1032fs; shifts the reading frame from proline 1032.
Molecular consequence: frameshift variant.
Genome position (GRCh38, 1-based): chr10:49,470,853-49,470,865, AGATGGCATTTGG deleted on the plus strand (CCAAATGCCATCT on the coding strand, the reverse complement: ERCC6 is on the minus strand). VCF-style (leftmost placement, unchanged base first): chr10-49470852-TAGATGGCATTTGG-T. GRCh37 (hg19) VCF-style: chr10-50678898-TAGATGGCATTTGG-T.
Other names: c.3095_3107del, p.Pro1032fs (NM_001346440.2); short protein forms P1032fs.
Identifiers: ClinVar variation 850898 (VCV000850898.7), dbSNP rs755974092, ClinGen allele CA5495409.